The following is an entry in ClinVar:

NM_000360.4(TH):c.787G>A (p.Gly263Ser)

Gene: TH (tyrosine hydroxylase; minus strand). Cytogenetic location: 11p15.5.
Variant type: single nucleotide variant.
Coding change: c.787G>A on transcript NM_000360.4 (MANE Select); coding-DNA position 787, G replaced by A.
Protein change: p.Gly263Ser; replaces glycine 263 with serine.
Molecular consequence: missense variant.
Genome position (GRCh38, 1-based): chr11:2,166,941, C>T on the plus strand (G>A on the coding strand, the complement: TH is on the minus strand). VCF-style: chr11-2166941-C-T. GRCh37 (hg19) VCF-style: chr11-2188171-C-T.
Other names: c.880G>A, p.Gly294Ser (NM_199292.3); c.868G>A, p.Gly290Ser (NM_199293.3); short protein forms G263S, G294S, G290S.
Identifiers: ClinVar variation 1952994 (VCV001952994.3), dbSNP rs755536257, ClinGen allele CA5818490.

ClinVar aggregate classification (germline): Uncertain significance. Review status: criteria provided, multiple submitters, no conflicts (2 of 4 stars). 2 submissions from 2 submitters: Uncertain significance (2). Last evaluated 2026-06-03.

Conditions:
TH-deficient dopa-responsive dystonia. Also called: Tyrosine Hydroxylase-Deficient Dopa-Responsive Dystonia; Segawa syndrome, autosomal recessive; DYT-TH. Identifiers: Orphanet 101150, MedGen C2673535, MONDO:0011551, OMIM 605407.

Submissions (2):

Myriad Genetics, Inc.
Classification: Uncertain significance for TH-deficient dopa-responsive dystonia. Last evaluated: 2026-06-03. Review status: criteria provided, single submitter. Criteria: Myriad Autosomal Dominant, Autosomal Recessive and X-Linked Classification Criteria (2023). Collection method: clinical testing. Allele origin: unknown.
Comment: NM_199292.2(TH):c.880G>A(G294S) is a missense variant classified as a variant of uncertain significance in the context of tyrosine hydroxylase deficiency. G294S has not been observed in cases with relevant disease. Relevant functional assessments of this variant are not available in the literature. G294S has not been observed in referenced population frequency databases. In summary, there is insufficient evidence to classify NM_199292.2(TH):c.880G>A(G294S) as pathogenic or benign. Please note: this variant was assessed in the context of healthy population screening.

Labcorp Genetics (formerly Invitae), Labcorp
Classification: Uncertain significance for TH-deficient dopa-responsive dystonia. Last evaluated: 2022-05-12. Review status: criteria provided, single submitter. Criteria: Invitae Variant Classification Sherloc (09022015). Collection method: clinical testing. Allele origin: germline.
Comment: This sequence change replaces glycine, which is neutral and non-polar, with serine, which is neutral and polar, at codon 294 of the TH protein (p.Gly294Ser). This variant is not present in population databases (gnomAD no frequency). This variant has not been reported in the literature in individuals affected with TH-related conditions. Algorithms developed to predict the effect of missense changes on protein structure and function (SIFT, PolyPhen-2, Align-GVGD) all suggest that this variant is likely to be disruptive. In summary, the available evidence is currently insufficient to determine the role of this variant in disease. Therefore, it has been classified as a Variant of Uncertain Significance.